The following is an entry in ClinVar:

NM_004370.6(COL12A1):c.3634C>T (p.Arg1212Trp)

Gene: COL12A1 (collagen type XII alpha 1 chain; minus strand). Cytogenetic location: 6q13.
Variant type: single nucleotide variant.
Coding change: c.3634C>T on transcript NM_004370.6 (MANE Select); coding-DNA position 3634, C replaced by T.
Protein change: p.Arg1212Trp; replaces arginine 1212 with tryptophan.
Molecular consequence: missense variant.
Genome position (GRCh38, 1-based): chr6:75,152,414, G>A on the plus strand (C>T on the coding strand, the complement: COL12A1 is on the minus strand). VCF-style: chr6-75152414-G-A. GRCh37 (hg19) VCF-style: chr6-75862130-G-A.
Other names: c.142C>T, p.Arg48Trp (NM_080645.3); short protein forms R1212W, R48W.
Identifiers: ClinVar variation 838119 (VCV000838119.48), dbSNP rs746929943, ClinGen allele CA3893660.
Genomic context (GRCh38, chr6:75,152,414, plus strand): 5'-CAATGTCAAAGACTTCCACAATACGAGAAATGAAACTCCTCACGGTTCTAAAATTTGCCC[G>A]GCCGATGCTCCATGATCCATCCACCAGCAACACAATGTCTGCCTCAGCTCTGGTGAGACA-3'
Protein context (NP_004361.3, residues 1202-1222): LLVDGSWSIG[Arg1212Trp]ANFRTVRSFI

ClinVar aggregate classification (germline): Conflicting classifications of pathogenicity. Review status: criteria provided, conflicting classifications (1 of 4 stars). 3 submissions from 3 submitters: Uncertain significance (2); Likely benign (1). Last evaluated 2025-12-10.

Conditions:
Bethlem myopathy 2 (BTHLM2). Identifiers: Orphanet 536516, Orphanet 610, MedGen C4225313, MONDO:0034022, OMIM 616471.
Ullrich congenital muscular dystrophy 2 (UCMD2). Identifiers: Orphanet 75840, MedGen C4225314, MONDO:0014654, OMIM 616470.

Allele frequency attached by ClinVar (database versions not stated): gnomAD 0.00001 and 0.00002; ExAC 0.00002; gnomAD exomes 0.00003; TOPMed 0.00003; 1000 Genomes Project 30x 0.00016.
gnomAD v4.1: 19 of 1,613,592 alleles (0.0012%); highest among the groups gnomAD compares: East Asian, 0.016%; no homozygotes.

Submissions (3):

Labcorp Genetics (formerly Invitae), Labcorp
Classification: Likely benign for Bethlem myopathy 2; Ullrich congenital muscular dystrophy 2. Last evaluated: 2025-12-10. Review status: criteria provided, single submitter. Criteria: Invitae Variant Classification Sherloc (09022015). Collection method: clinical testing. Allele origin: germline.

GeneDx
Classification: Uncertain significance. Last evaluated: 2023-11-17. Review status: criteria provided, single submitter. Criteria: GeneDx Variant Classification Process June 2021. Collection method: clinical testing. Allele origin: germline. Affected: yes.
Comment: Has not been previously published as pathogenic or benign to our knowledge; In silico analysis supports that this missense variant has a deleterious effect on protein structure/function

CeGaT Center for Human Genetics Tuebingen
Classification: Uncertain significance. Last evaluated: 2020-05-01. Review status: criteria provided, single submitter. Criteria: CeGaT Center For Human Genetics Tuebingen Variant Classification Criteria Version 2. Collection method: clinical testing. Allele origin: germline. Affected: yes. Observed: 1 variant allele.